The following is an entry in ClinVar:

ClinVar aggregate classification (germline): Uncertain significance (1 of 4 stars; one submission).

Allele frequency attached by ClinVar (database versions not stated): gnomAD exomes below 0.00001.
gnomAD v4.1: 1 of 1,614,114 alleles (0.000062%); highest among the groups gnomAD compares: Non-Finnish European, 0.000085%; no homozygotes.

Submission:

GeneDx
Classification: Uncertain significance. Last evaluated: 2018-05-15. Review status: criteria provided, single submitter. Criteria: GeneDx Variant Classification (06012015). Collection method: clinical testing. Allele origin: germline. Affected: yes.
Comment: A variant of uncertain significance has been identified in the NFIA gene. The V134M variant has not been published as a pathogenic variant, nor has it been reported as a benign variant to our knowledge. The V134M variant is not observed in large population cohorts (Lek et al., 2016). The V134M variant is a conservative amino acid substitution, which is not likely to impact secondary protein structure as these residues share similar properties. However, in-silico analyses, including protein predictors and evolutionary conservation, support a deleterious effect. Therefore, based on the currently available information, it is unclear whether this variant is a pathogenic variant or a rare benign variant.

NM_001134673.4(NFIA):c.400G>A (p.Val134Met)

Gene: NFIA (nuclear factor I A; plus strand). Cytogenetic location: 1p31.3.
Variant type: single nucleotide variant.
Coding change: c.400G>A on transcript NM_001134673.4 (MANE Select); coding-DNA position 400, G replaced by A.
Protein change: p.Val134Met; replaces valine 134 with methionine.
Molecular consequence: missense variant.
Genome position (GRCh38, 1-based): chr1:61,088,521, G>A. VCF-style: chr1-61088521-G-A. GRCh37 (hg19) VCF-style: chr1-61554193-G-A.
Other names: c.376G>A, p.Val126Met (NM_001145511.2); c.535G>A, p.Val179Met (NM_001145512.2); c.400G>A, p.Val134Met (NM_005595.5); short protein forms V126M, V134M, V179M.
Identifiers: ClinVar variation 546374 (VCV000546374.2), dbSNP rs1553149211, ClinGen allele CA340586964.
Genomic context (GRCh38, chr1:61,088,521, plus strand): 5'-ATGCGAAGAATTGACTGCCTCCGCCAGGCAGATAAAGTCTGGAGGTTGGACCTTGTTATG[G>A]TGATTTTGTTTAAAGGTATTCCGCTGGAAAGTACTGATGGCGAGCGCCTTGTAAAGTCCC-3'
Protein context (NP_001128145.1, residues 124-144): DKVWRLDLVM[Val134Met]ILFKGIPLES